The following is an entry in ClinVar:

ClinVar aggregate classification (germline): Uncertain significance (1 of 4 stars; one submission).

Conditions:
Intellectual disability, X-linked 102 (MRXSSB). Also called: Intellectual developmental disorder, X-linked syndromic, Snijders Blok type. Identifiers: Orphanet 457260, MedGen C5393299, MONDO:0010497, OMIM 300958.

Submission:

MVZ Medizinische Genetik Mainz
Classification: Uncertain significance for Intellectual disability, X-linked 102. Last evaluated: 2025-08-28. Review status: criteria provided, single submitter. Criteria: UK Practice Guidelines For Variant Classification V4 01 2020. Collection method: clinical testing. Allele origin: germline. Inheritance: X-linked dominant inheritance. Affected: yes. Observed: 1 variant allele.
Comment: ACMG Criteria: PM5,PM2_SUP,PP2,PP3

NM_001356.5(DDX3X):c.1339T>G (p.Phe447Val)

Gene: DDX3X (DEAD-box helicase 3 X-linked; plus strand). Cytogenetic location: Xp11.4.
Variant type: single nucleotide variant.
Coding change: c.1339T>G on transcript NM_001356.5 (MANE Select); coding-DNA position 1339, T replaced by G.
Protein change: p.Phe447Val; replaces phenylalanine 447 with valine.
Molecular consequence: missense variant. On other transcripts: non-coding transcript variant (1).
Genome position (GRCh38, 1-based): chrX:41,346,252, T>G. VCF-style: chrX-41346252-T-G. GRCh37 (hg19) VCF-style: chrX-41205505-T-G.
Other names: c.1339T>G, p.Phe447Val (NM_001193416.3); c.1291T>G, p.Phe431Val (NM_001193417.3); c.781T>G, p.Phe261Val (NM_001363819.1); short protein forms F261V, F431V, F447V.
Identifiers: ClinVar variation 4277262 (VCV004277262.1).